The following is an entry in ClinVar:

ClinVar aggregate classification (germline): Uncertain significance (1 of 4 stars; one submission).

Submission:

Labcorp Genetics (formerly Invitae), Labcorp
Classification: Uncertain significance. Last evaluated: 2024-02-07. Review status: criteria provided, single submitter. Criteria: Invitae Variant Classification Sherloc (09022015). Collection method: clinical testing. Allele origin: germline.
Comment: This variant, c.4098_4121dup, results in the insertion of 8 amino acid(s) of the SON protein (p.Ser1378_Glu1385dup), but otherwise preserves the integrity of the reading frame. This variant is not present in population databases (gnomAD no frequency). This variant has not been reported in the literature in individuals affected with SON-related conditions. In summary, the available evidence is currently insufficient to determine the role of this variant in disease. Therefore, it has been classified as a Variant of Uncertain Significance.

NM_138927.4(SON):c.4098_4121dup (p.Glu1385_Pro1386insSerSerThrValThrValLeuGlu)

Gene: SON (SON DNA and RNA binding protein; plus strand). Cytogenetic location: 21q22.11.
Variant type: Duplication.
Coding change: c.4098_4121dup on transcript NM_138927.4 (MANE Select); coding-DNA positions 4098 to 4121, 24 bases duplicated (CGTCCTGGAGTCTTCGACTGTGAC).
Protein change: p.Glu1385_Pro1386insSerSerThrValThrValLeuGlu.
Molecular consequence: inframe insertion. On other transcripts: non-coding transcript variant (1), intron variant (1).
Genome position (GRCh38, 1-based): chr21:33,553,329-33,553,352, CGTCCTGGAGTCTTCGACTGTGAC duplicated; duplicating any 24 consecutive bases within chr21:33,553,322-33,553,352 gives the same sequence; the c. name uses the placement nearest the transcript's 3' end. VCF-style (leftmost placement, unchanged base first): chr21-33553321-G-GCTGTGACCGTCCTGGAGTCTTCGA. GRCh37 (hg19) VCF-style: chr21-34925627-G-GCTGTGACCGTCCTGGAGTCTTCGA.
Other names: c.4098_4121dup, p.Glu1385_Pro1386insSerSerThrValThrValLeuGlu (NM_001291411.2, NM_032195.3); c.245-3827_245-3804dup (NM_001291412.3).
Identifiers: ClinVar variation 3618613 (VCV003618613.2).